The following is an entry in ClinVar:

NM_001040108.2(MLH3):c.1482T>C (p.His494=)

Gene: MLH3 (mutL homolog 3; minus strand). Cytogenetic location: 14q24.3.
Variant type: single nucleotide variant.
Coding change: c.1482T>C on transcript NM_001040108.2 (MANE Select); coding-DNA position 1482, T replaced by C.
Protein change: p.His494=; no amino-acid change (histidine 494 retained).
Molecular consequence: synonymous variant.
Genome position (GRCh38, 1-based): chr14:75,048,174, A>G on the plus strand (T>C on the coding strand, the complement: MLH3 is on the minus strand). VCF-style: chr14-75048174-A-G. GRCh37 (hg19) VCF-style: chr14-75514877-A-G.
Other names: c.1482T>C, p.His494= (NM_014381.3).
Identifiers: ClinVar variation 718706 (VCV000718706.14), dbSNP rs200067582, ClinGen allele CA7275865.

ClinVar aggregate classification (germline): Benign/Likely benign. Review status: criteria provided, multiple submitters, no conflicts (2 of 4 stars). 3 submissions from 3 submitters: Benign (1); Likely benign (2). Last evaluated 2026-04-30.

Conditions:
Colorectal cancer, hereditary nonpolyposis, type 7. Identifiers: Orphanet 144, MedGen C1858380, MONDO:0013725, OMIM 614385.

Allele frequency attached by ClinVar (database versions not stated): 1000 Genomes Project 30x 0.00016; ExAC 0.00001; gnomAD 0.00001; gnomAD exomes below 0.00001 and 0.00005; 1000 Genomes Project 0.00020.
gnomAD v4.1: 66 of 1,613,976 alleles (0.0041%); highest among the groups gnomAD compares: East Asian, 0.14%; no homozygotes.

Submissions (3):

Myriad Genetics, Inc.
Classification: Benign for Colorectal cancer, hereditary nonpolyposis, type 7. Last evaluated: 2026-04-30. Review status: criteria provided, single submitter. Criteria: Myriad Autosomal Dominant, Autosomal Recessive and X-Linked Classification Criteria (2023). Collection method: clinical testing. Allele origin: unknown.
Comment: This variant is considered benign. This variant is a silent/synonymous amino acid change and it is not expected to impact splicing.

Labcorp Genetics (formerly Invitae), Labcorp
Classification: Likely benign for Colorectal cancer, hereditary nonpolyposis, type 7. Last evaluated: 2025-12-03. Review status: criteria provided, single submitter. Criteria: Invitae Variant Classification Sherloc (09022015). Collection method: clinical testing. Allele origin: germline.

Ambry Genetics
Classification: Likely benign. Last evaluated: 2020-12-16. Review status: criteria provided, single submitter. Criteria: Ambry Variant Classification Scheme 2023. Collection method: clinical testing. Allele origin: germline.